The following is an entry in ClinVar:

ClinVar aggregate classification (germline): Pathogenic. Review status: criteria provided, single submitter (1 of 4 stars). 2 submissions from 2 submitters: Pathogenic (1). 1 of the submissions does not count toward it. Last evaluated 2014-01-01.

Conditions:
DOORS syndrome (DOORS). Also called: DRC SYNDROME; BRACHYDACTYLY DUE TO ABSENCE OF DISTAL PHALANGES; ERONEN SYNDROME; Digitorenocerebral syndrome; DEAFNESS, ONYCHODYSTROPHY, OSTEODYSTROPHY, IMPAIRED INTELLECTUAL DEVELOPMENT, AND SEIZURES SYNDROME; DOORS Syndrome (Deafness, Onychodystrophy, Osteodystrophy, Mental Retardation, and Seizures). Identifiers: Orphanet 3231, Orphanet 79500, MedGen C0795934, MONDO:0009079, OMIM 220500. Disease mechanism: loss of function.

Allele frequency attached by ClinVar (database versions not stated): gnomAD exomes below 0.00001.
gnomAD v4.1: 3 of 1,613,100 alleles (0.00019%); highest among the groups gnomAD compares: Non-Finnish European, 0.00025%; no homozygotes.

Submissions (2):

Lupski Lab, Baylor-Hopkins CMG, Baylor College of Medicine
Classification: Pathogenic for DOORS syndrome. Last evaluated: 2014-01-01. Review status: criteria provided, single submitter. Criteria: Campeau et al. (Lancet Neurol 2014). Collection method: research. Allele origin: germline. Inheritance: Autosomal recessive inheritance. Affected: yes and no. Observed: 2 variant alleles, 1 heterozygote, 1 compound heterozygote.
Comment: We identified 26 families with DOORS syndrome; each patient had at least 3 of the 5 well-described features of DOORS syndrome, which include deafness, onychodystrophy, osteodystrophy, intellectual disability, and seizures. A combination of whole-exome sequencing and Sanger sequencing identified homozygous or compound heterozygous pathogenic variants in TBC1D24 in 11 individuals from 9 families.

OMIM
Classification: Pathogenic for DEAFNESS, ONYCHODYSTROPHY, OSTEODYSTROPHY, IMPAIRED INTELLECTUAL DEVELOPMENT, AND SEIZURES SYNDROME. Last evaluated: 2014-01-01. Review status: no assertion criteria provided. Collection method: literature only. Allele origin: germline. Not counted in ClinVar's aggregate classification.

Literature cited by the submitters: PubMed 25169651 (cited by Lupski Lab, Baylor-Hopkins CMG, Baylor College of Medicine); PubMed 25719194 (cited by Lupski Lab, Baylor-Hopkins CMG, Baylor College of Medicine); PubMed 24291220 (cited by OMIM).

NM_001199107.2(TBC1D24):c.1206+5G>A

Gene: TBC1D24 (TBC1 domain family member 24; plus strand). Cytogenetic location: 16p13.3.
Variant type: single nucleotide variant.
Coding change: c.1206+5G>A on transcript NM_001199107.2 (MANE Select); 5 bases into the intron after coding-DNA position 1206, G replaced by A.
Molecular consequence: intron variant.
Genome position (GRCh38, 1-based): chr16:2,499,425, G>A. VCF-style: chr16-2499425-G-A. GRCh37 (hg19) VCF-style: chr16-2549426-G-A.
Other names: IVS5DS, G-A, +5; c.1188+5G>A (NM_020705.3).
Identifiers: ClinVar variation 91399 (VCV000091399.4), dbSNP rs398122968, ClinGen allele CA266221.